The following is an entry in ClinVar:

NM_001267550.2(TTN):c.21962-6C>T

Gene: TTN (titin; minus strand). Cytogenetic location: 2q31.2.
Variant type: single nucleotide variant.
Coding change: c.21962-6C>T on transcript NM_001267550.2 (MANE Select); 6 bases into the intron before coding-DNA position 21962, C replaced by T.
Molecular consequence: intron variant.
Genome position (GRCh38, 1-based): chr2:178,722,943, G>A on the plus strand (C>T on the coding strand, the complement: TTN is on the minus strand). VCF-style: chr2-178722943-G-A. GRCh37 (hg19) VCF-style: chr2-179587670-G-A.
Other names: c.13282+15139C>T (NM_003319.4); c.13858+15139C>T (NM_133437.4); c.13657+15139C>T (NM_133432.3); c.18230-6C>T (NM_133378.4); c.21011-6C>T (NM_001256850.1).
Identifiers: ClinVar variation 466902 (VCV000466902.46), dbSNP rs374870814, ClinGen allele CA2000914.

ClinVar aggregate classification (germline): Conflicting classifications of pathogenicity. Review status: criteria provided, conflicting classifications (1 of 4 stars). 12 submissions from 8 submitters: Uncertain significance (3); Benign (4); Likely benign (5). Last evaluated 2026-01-05.

Conditions:
Cardiomyopathy (CMYO). Also called: Cardiomyopathies. Identifiers: Orphanet 167848, MedGen C0878544, MONDO:0004994, HP:0001638. Inheritance: Various modes of inheritance.
Early-onset myopathy with fatal cardiomyopathy (CMYO5). Also called: Salih Myopathy; CONGENITAL MYOPATHY 5 WITH CARDIOMYOPATHY. Identifiers: Orphanet 289377, MedGen C2673677, MONDO:0012714, OMIM 611705. Disease mechanism: loss of function.
Myopathy, myofibrillar, 9, with early respiratory failure (MFM9). Also called: Hereditary myopathy with early respiratory failure; MYOPATHY, PROXIMAL, WITH EARLY RESPIRATORY MUSCLE INVOLVEMENT; Myopathy, distal, with early respiratory failure, autosomal dominant; EDSTROM MYOPATHY. Identifiers: Orphanet 178464, Orphanet 34521, MedGen C1863599, MONDO:0011362, OMIM 603689.
Autosomal recessive limb-girdle muscular dystrophy type 2J (LGMDR10). Also called: Limb-girdle muscular dystrophy, type 2J; MUSCULAR DYSTROPHY, LIMB-GIRDLE, AUTOSOMAL RECESSIVE 10. Identifiers: Orphanet 140922, MedGen C1837342, MONDO:0012127, OMIM 608807.
TTN-related disorder. Also called: TTN-related disorders; TTN-related condition; TTN-related disease.
Dilated cardiomyopathy 1G (CMD1G). Identifiers: Orphanet 154, MedGen C1858763, MONDO:0011400, OMIM 604145.
Tibial muscular dystrophy (TMD). Also called: UDD MYOPATHY; Tibial muscular dystrophy, tardive; Udd Distal Myopathy – Tibial Muscular Dystrophy. Identifiers: Orphanet 609, MedGen C1838244, MONDO:0010870, OMIM 600334.

Allele frequency attached by ClinVar (database versions not stated): ESP Exome Variant Server 0.00008; gnomAD exomes 0.00010 and 0.00017; gnomAD 0.00014 and 0.00015; TOPMed 0.00015; ExAC 0.00019; 1000 Genomes Project 30x 0.00047; 1000 Genomes Project 0.00060.
gnomAD v4.1: 183 of 1,605,556 alleles (0.011%); highest among the groups gnomAD compares: Middle Eastern, 0.017%; no homozygotes.

Submissions (12):

Labcorp Genetics (formerly Invitae), Labcorp
Classification: Likely benign for Dilated cardiomyopathy 1G; Autosomal recessive limb-girdle muscular dystrophy type 2J. Last evaluated: 2026-01-05. Review status: criteria provided, single submitter. Criteria: Invitae Variant Classification Sherloc (09022015). Collection method: clinical testing. Allele origin: germline.

PreventionGenetics, part of Exact Sciences
Classification: Likely benign for TTN-related condition. Last evaluated: 2025-05-28. Review status: criteria provided, single submitter. Criteria: ACMG Guidelines, 2015. Collection method: clinical testing. Allele origin: germline.
Comment: This variant is classified as likely benign based on ACMG/AMP sequence variant interpretation guidelines (Richards et al. 2015 PMID: 25741868, with internal and published modifications).

Women's Health and Genetics/Laboratory Corporation of America, LabCorp
Classification: Likely benign. Last evaluated: 2025-04-29. Review status: criteria provided, single submitter. Criteria: LabCorp Variant Classification Summary - May 2015. Collection method: clinical testing. Allele origin: germline.

Blueprint Genetics
Classification: Likely benign. Last evaluated: 2024-08-15. Review status: criteria provided, single submitter. Criteria: ACMG Guidelines, 2015. Collection method: clinical testing. Allele origin: germline.

CeGaT Center for Human Genetics Tuebingen
Classification: Likely benign. Last evaluated: 2024-06-01. Review status: criteria provided, single submitter. Criteria: CeGaT Center For Human Genetics Tuebingen Variant Classification Criteria Version 2. Collection method: clinical testing. Allele origin: germline. Affected: yes. Observed: 4 variant alleles.
Comment: TTN: BP4

Illumina Laboratory Services, Illumina
Classification: Uncertain significance for Autosomal recessive limb-girdle muscular dystrophy type 2J. Last evaluated: 2018-01-13. Review status: criteria provided, single submitter. Criteria: ICSL Variant Classification Criteria 13 December 2019. Collection method: clinical testing. Allele origin: germline.

Illumina Laboratory Services, Illumina
Classification: Benign for Tibial muscular dystrophy. Last evaluated: 2018-01-13. Review status: criteria provided, single submitter. Criteria: ICSL Variant Classification Criteria 13 December 2019. Collection method: clinical testing. Allele origin: germline.
Comment: This variant was observed in the ICSL laboratory as part of a predisposition screen in an ostensibly healthy population. It had not been previously curated by ICSL or reported in the Human Gene Mutation Database (HGMD: prior to June 1st, 2018), and was therefore a candidate for classification through an automated scoring system. Utilizing variant allele frequency, disease prevalence and penetrance estimates, and inheritance mode, an automated score was calculated to assess if this variant is too frequent to cause the disease. Based on the score and internal cut-off values, a variant classified as benign is not then subjected to further curation. The score for this variant resulted in a classification of benign for this disease.

Illumina Laboratory Services, Illumina
Classification: Benign for Myopathy, myofibrillar, 9, with early respiratory failure. Last evaluated: 2018-01-13. Review status: criteria provided, single submitter. Criteria: ICSL Variant Classification Criteria 13 December 2019. Collection method: clinical testing. Allele origin: germline.
Comment: the same text as in the submission from Illumina Laboratory Services, Illumina above.

Illumina Laboratory Services, Illumina
Classification: Uncertain significance for Early-onset myopathy with fatal cardiomyopathy. Last evaluated: 2018-01-13. Review status: criteria provided, single submitter. Criteria: ICSL Variant Classification Criteria 13 December 2019. Collection method: clinical testing. Allele origin: germline.

Illumina Laboratory Services, Illumina
Classification: Uncertain significance for Dilated cardiomyopathy 1G. Last evaluated: 2018-01-13. Review status: criteria provided, single submitter. Criteria: ICSL Variant Classification Criteria 13 December 2019. Collection method: clinical testing. Allele origin: germline.

CHEO Genetics Diagnostic Laboratory, Children's Hospital of Eastern Ontario
Classification: Benign for Cardiomyopathy. Last evaluated: 2017-11-03. Review status: criteria provided, single submitter. Criteria: ACMG Guidelines, 2015. Collection method: clinical testing. Allele origin: germline.

GeneDx
Classification: Benign. Last evaluated: 2015-03-03. Review status: criteria provided, single submitter. Criteria: GeneDx Variant Classification Process June 2021. Collection method: clinical testing. Allele origin: germline. Affected: yes.